The following is an entry in ClinVar:

NM_002691.4(POLD1):c.1243-5C>T

Gene: POLD1 (DNA polymerase delta 1, catalytic subunit; plus strand). Cytogenetic location: 19q13.33.
Variant type: single nucleotide variant.
Coding change: c.1243-5C>T on transcript NM_002691.4 (MANE Select); 5 bases into the intron before coding-DNA position 1243, C replaced by T.
Molecular consequence: intron variant.
Genome position (GRCh38, 1-based): chr19:50,406,177, C>T. VCF-style: chr19-50406177-C-T. GRCh37 (hg19) VCF-style: chr19-50909434-C-T.
Other names: c.1243-5C>T (NM_001256849.1, NM_001308632.1).
Identifiers: ClinVar variation 3904223 (VCV003904223.1).

ClinVar aggregate classification (germline): Likely benign (1 of 4 stars; one submission).

Conditions:
POLD1-related polyposis and colorectal cancer syndrome (CRCS10). Also called: Colorectal cancer 10; COLORECTAL CANCER, SUSCEPTIBILITY TO, ON CHROMOSOME 19q; Colorectal cancer, susceptibility to, 10. Identifiers: Orphanet 220460, MedGen C2675481, MONDO:0012953, OMIM 612591.

Submission:

Myriad Genetics, Inc.
Classification: Likely benign for POLD1-related polyposis and colorectal cancer syndrome. Last evaluated: 2025-02-06. Review status: criteria provided, single submitter. Criteria: Myriad Autosomal Dominant, Autosomal Recessive and X-Linked Classification Criteria (2023). Collection method: clinical testing. Allele origin: unknown.
Comment: This variant is considered likely benign. This variant is intronic and is not expected to impact mRNA splicing.